The following is an entry in ClinVar:

NM_017617.5(NOTCH1):c.6941T>C (p.Leu2314Pro)

Gene: NOTCH1 (notch receptor 1; minus strand). Cytogenetic location: 9q34.3.
Variant type: single nucleotide variant.
Coding change: c.6941T>C on transcript NM_017617.5 (MANE Select); coding-DNA position 6941, T replaced by C.
Protein change: p.Leu2314Pro; replaces leucine 2314 with proline.
Molecular consequence: missense variant.
Genome position (GRCh38, 1-based): chr9:136,496,798, A>G on the plus strand (T>C on the coding strand, the complement: NOTCH1 is on the minus strand). VCF-style: chr9-136496798-A-G. GRCh37 (hg19) VCF-style: chr9-139391250-A-G.
Other names: short protein forms L2314P.
Identifiers: ClinVar variation 1114405 (VCV001114405.15), dbSNP rs200929799, ClinGen allele CA5339786.
Genomic context (GRCh38, chr9:136,496,798, plus strand): 5'-GGGCCTGGTGCCACACTCCCCCGCAGAGGGTTGTATTGGTTCGGCACCATGCCGCTCTGC[A>G]GCCGGGACAGCCACTCGCATTGACCATTCAAACTGGTGGACCCGCCCACAGTGAAATTCA-3'
Protein context (NP_060087.3, residues 2304-2324): LNGQCEWLSR[Leu2314Pro]QSGMVPNQYN

ClinVar aggregate classification (germline): Conflicting classifications of pathogenicity. Review status: criteria provided, conflicting classifications (1 of 4 stars). 4 submissions from 4 submitters: Uncertain significance (2); Likely benign (2). Last evaluated 2026-07-10.

Conditions:
Adams-Oliver syndrome 5 (AOS5). Identifiers: Orphanet 974, MedGen C4014970, MONDO:0014459, OMIM 616028.
Familial thoracic aortic aneurysm and aortic dissection (TAAD). Also called: Thoracic aortic aneurysms and dissections. Identifiers: Orphanet 91387, MedGen C4707243, MONDO:0019625.

Allele frequency attached by ClinVar (database versions not stated): gnomAD 0.00006 and 0.00005; gnomAD exomes 0.00013 and 0.00007; ExAC 0.00015; ESP Exome Variant Server 0.00008; 1000 Genomes Project 30x 0.00016; TOPMed 0.00002; 1000 Genomes Project 0.00020.
gnomAD v4.1: 109 of 1,612,906 alleles (0.0068%); highest among the groups gnomAD compares: Non-Finnish European, 0.0025%; no homozygotes.

Submissions (4):

Ambry Genetics
Classification: Uncertain significance for Familial thoracic aortic aneurysm and aortic dissection. Last evaluated: 2026-07-10. Review status: criteria provided, single submitter. Criteria: Ambry Variant Classification Scheme 2023. Collection method: clinical testing. Allele origin: germline.
Comment: The p.L2314P variant (also known as c.6941T>C), located in coding exon 34 of the NOTCH1 gene, results from a T to C substitution at nucleotide position 6941. The leucine at codon 2314 is replaced by proline, an amino acid with similar properties. This amino acid position is not well conserved in available vertebrate species. In addition, this alteration is predicted to be deleterious by in silico analysis. Based on the available evidence, the clinical significance of this variant remains unclear.

Labcorp Genetics (formerly Invitae), Labcorp
Classification: Likely benign for Adams-Oliver syndrome 5. Last evaluated: 2026-01-31. Review status: criteria provided, single submitter. Criteria: Invitae Variant Classification Sherloc (09022015). Collection method: clinical testing. Allele origin: germline.

Blueprint Genetics
Classification: Likely benign. Last evaluated: 2024-11-23. Review status: criteria provided, single submitter. Criteria: ACMG Guidelines, 2015. Collection method: clinical testing. Allele origin: germline.

GeneDx
Classification: Uncertain significance. Last evaluated: 2024-01-18. Review status: criteria provided, single submitter. Criteria: GeneDx Variant Classification Process June 2021. Collection method: clinical testing. Allele origin: germline. Affected: yes.
Comment: In silico analysis supports that this missense variant has a deleterious effect on protein structure/function; Has not been previously published as pathogenic or benign to our knowledge; This variant is associated with the following publications: (PMID: 25587027)